The following is an entry in ClinVar:

ClinVar aggregate classification (germline): Uncertain significance. Review status: criteria provided, multiple submitters, no conflicts (2 of 4 stars). 4 submissions from 4 submitters: Uncertain significance (4). Last evaluated 2023-06-26.

Conditions:
Hereditary cancer-predisposing syndrome. Also called: Hereditary neoplastic syndrome; Neoplastic Syndromes, Hereditary; Tumor predisposition; Hereditary Cancer Syndrome. Identifiers: Orphanet 140162, MedGen C0027672, MeSH D009386, MONDO:0015356.
Familial adenomatous polyposis 1 (FAP1). Also called: FAMILIAL ADENOMATOUS POLYPOSIS 1, ATTENUATED; POLYPOSIS, ADENOMATOUS INTESTINAL. Identifiers: MedGen C2713442, MONDO:0021056, OMIM 175100. Disease mechanism: loss of function.

Submissions (4):

Color Diagnostics, LLC DBA Color Health
Classification: Uncertain significance for Hereditary cancer-predisposing syndrome. Last evaluated: 2023-06-26. Review status: criteria provided, single submitter. Criteria: ACMG Guidelines, 2015. Collection method: clinical testing. Allele origin: germline.
Comment: This missense variant replaces lysine with arginine at codon 2001 of the APC protein. Computational prediction suggests that this variant may not impact protein structure and function (internally defined REVEL score threshold <= 0.5, PMID: 27666373). To our knowledge, functional studies have not been reported for this variant. This variant has not been reported in individuals affected with APC-related disorders in the literature. This variant has not been identified in the general population by the Genome Aggregation Database (gnomAD). The available evidence is insufficient to determine the role of this variant in disease conclusively. Therefore, this variant is classified as a Variant of Uncertain Significance.

Baylor Genetics
Classification: Uncertain significance for Familial adenomatous polyposis 1. Last evaluated: 2023-05-16. Review status: criteria provided, single submitter. Criteria: ACMG Guidelines, 2015. Collection method: clinical testing. Allele origin: unknown.

Ambry Genetics
Classification: Uncertain significance for Hereditary cancer-predisposing syndrome. Last evaluated: 2023-03-25. Review status: criteria provided, single submitter. Criteria: Ambry Variant Classification Scheme 2023. Collection method: clinical testing. Allele origin: germline.
Comment: The p.K2001R variant (also known as c.6002A>G), located in coding exon 15 of the APC gene, results from an A to G substitution at nucleotide position 6002. The lysine at codon 2001 is replaced by arginine, an amino acid with highly similar properties. This amino acid position is conserved. In addition, in silico predictors for this gene do not accurately predict pathogenicity. Since supporting evidence is limited at this time, the clinical significance of this alteration remains unclear.

Labcorp Genetics (formerly Invitae), Labcorp
Classification: Uncertain significance for Familial adenomatous polyposis 1. Last evaluated: 2019-03-29. Review status: criteria provided, single submitter. Criteria: Invitae Variant Classification Sherloc (09022015). Collection method: clinical testing. Allele origin: germline.
Comment: This variant has not been reported in the literature in individuals with APC-related conditions. In summary, the available evidence is currently insufficient to determine the role of this variant in disease. Therefore, it has been classified as a Variant of Uncertain Significance. Algorithms developed to predict the effect of missense changes on protein structure and function output the following: SIFT: "Tolerated"; PolyPhen-2: "Benign"; Align-GVGD: "Class C0". The arginine amino acid residue is found in multiple mammalian species, suggesting that this missense change does not adversely affect protein function. These predictions have not been confirmed by published functional studies and their clinical significance is uncertain. This variant is not present in population databases (ExAC no frequency). This sequence change replaces lysine with arginine at codon 2001 of the APC protein (p.Lys2001Arg). The lysine residue is moderately conserved and there is a small physicochemical difference between lysine and arginine.

NM_000038.6(APC):c.6002A>G (p.Lys2001Arg)

Gene: APC (APC regulator of Wnt signaling pathway; plus strand). Cytogenetic location: 5q22.2.
Variant type: single nucleotide variant.
Coding change: c.6002A>G on transcript NM_000038.6 (MANE Select); coding-DNA position 6002, A replaced by G.
Protein change: p.Lys2001Arg; replaces lysine 2001 with arginine.
Molecular consequence: missense variant.
Genome position (GRCh38, 1-based): chr5:112,841,596, A>G. VCF-style: chr5-112841596-A-G. GRCh37 (hg19) VCF-style: chr5-112177293-A-G.
Other names: c.6002A>G, p.Lys2001Arg (NM_001127510.3, NM_001354895.2); c.5948A>G, p.Lys1983Arg (NM_001127511.3); c.6056A>G, p.Lys2019Arg (NM_001354896.2); c.6032A>G, p.Lys2011Arg (NM_001354897.2); c.5927A>G, p.Lys1976Arg (NM_001354898.2); c.5918A>G, p.Lys1973Arg (NM_001354899.2); c.5879A>G, p.Lys1960Arg (NM_001354900.2); c.5825A>G, p.Lys1942Arg (NM_001354901.2); and 5 more; short protein forms K1973R, K2001R, K1875R, K1942R, K1983R, K1718R, K1960R, K2019R.
Identifiers: ClinVar variation 949751 (VCV000949751.16), dbSNP rs1766111287, ClinGen allele CA16034468.